The following is an entry in ClinVar:

ClinVar aggregate classification (germline): Likely benign. Review status: criteria provided, multiple submitters, no conflicts (2 of 4 stars). 3 submissions from 3 submitters: Likely benign (3). Last evaluated 2024-05-02.

Conditions:
Hereditary cancer-predisposing syndrome. Also called: Neoplastic Syndromes, Hereditary; Tumor predisposition; Hereditary neoplastic syndrome; Hereditary Cancer Syndrome. Identifiers: Orphanet 140162, MedGen C0027672, MeSH D009386, MONDO:0015356.
Tuberous sclerosis 2 (TSC2). Identifiers: Orphanet 805, MedGen C1860707, MONDO:0013199, OMIM 613254.

gnomAD v4.1: 1 of 1,613,014 alleles (0.000062%); no homozygotes.

Submissions (3):

Labcorp Genetics (formerly Invitae), Labcorp
Classification: Likely benign for Tuberous sclerosis 2. Last evaluated: 2024-05-02. Review status: criteria provided, single submitter. Criteria: Invitae Variant Classification Sherloc (09022015). Collection method: clinical testing. Allele origin: germline.

Ambry Genetics
Classification: Likely benign for Hereditary cancer-predisposing syndrome. Last evaluated: 2023-06-24. Review status: criteria provided, single submitter. Criteria: Ambry Variant Classification Scheme 2023. Collection method: clinical testing. Allele origin: germline.

GeneDx
Classification: Likely benign. Last evaluated: 2018-05-31. Review status: criteria provided, single submitter. Criteria: GeneDx Variant Classification (06012015). Collection method: clinical testing. Allele origin: germline. Affected: yes.
Comment: This variant is considered likely benign or benign based on one or more of the following criteria: it is a conservative change, it occurs at a poorly conserved position in the protein, it is predicted to be benign by multiple in silico algorithms, and/or has population frequency not consistent with disease.

NM_000548.5(TSC2):c.5217G>A (p.Lys1739=)

Gene: TSC2 (TSC complex subunit 2; plus strand). Cytogenetic location: 16p13.3.
Variant type: single nucleotide variant.
Coding change: c.5217G>A on transcript NM_000548.5 (MANE Select); coding-DNA position 5217, G replaced by A.
Protein change: p.Lys1739=; no amino-acid change (lysine 1739 retained).
Molecular consequence: synonymous variant.
Genome position (GRCh38, 1-based): chr16:2,088,283, G>A. VCF-style: chr16-2088283-G-A. GRCh37 (hg19) VCF-style: chr16-2138284-G-A.
Other names: c.5016G>A, p.Lys1672= (NM_001077183.3); c.5148G>A, p.Lys1716= (NM_001114382.3); c.4908G>A, p.Lys1636= (NM_001318827.2); c.4872G>A, p.Lys1624= (NM_001318829.2); c.4485G>A, p.Lys1495= (NM_001318831.2); c.5049G>A, p.Lys1683= (NM_001318832.2); c.5019G>A, p.Lys1673= (NM_001363528.2); c.5085G>A, p.Lys1695= (NM_001370404.1); and 2 more.
Identifiers: ClinVar variation 669066 (VCV000669066.5), dbSNP rs1596460659, ClinGen allele CA493043800.
Genomic context (GRCh38, chr16:2,088,283, plus strand): 5'-CCAGATGGCCTCACAGGTGCATCATAGCCGCTCCAACCCCACCGATATCTACCCCTCCAA[G>A]TGGATTGCCCGGCTCCGCCACATCAAGCGGCTCCGCCAGCGGGTAGGGAATATGGGGCTC-3'
Protein context (NP_000539.2, residues 1729-1749): RSNPTDIYPS[Lys1739=]WIARLRHIKR